The following is an entry in ClinVar:

ClinVar aggregate classification (germline): Uncertain significance (1 of 4 stars; one submission).

Conditions:
Hereditary cancer-predisposing syndrome. Also called: Neoplastic Syndromes, Hereditary; Tumor predisposition; Hereditary Cancer Syndrome; Hereditary neoplastic syndrome. Identifiers: Orphanet 140162, MedGen C0027672, MeSH D009386, MONDO:0015356.

Submission:

Ambry Genetics
Classification: Uncertain significance for Hereditary cancer-predisposing syndrome. Last evaluated: 2021-04-06. Review status: criteria provided, single submitter. Criteria: Ambry Variant Classification Scheme 2023. Collection method: clinical testing. Allele origin: germline.
Comment: The p.D139N variant (also known as c.415G>A), located in coding exon 1 of the CDKN1B gene, results from a G to A substitution at nucleotide position 415. The aspartic acid at codon 139 is replaced by asparagine, an amino acid with highly similar properties. This amino acid position is not well conserved in available vertebrate species. In addition, this alteration is predicted to be tolerated by in silico analysis. Since supporting evidence is limited at this time, the clinical significance of this alteration remains unclear.

NM_004064.5(CDKN1B):c.415G>A (p.Asp139Asn)

Gene: CDKN1B (cyclin dependent kinase inhibitor 1B; plus strand). Cytogenetic location: 12p13.1.
Variant type: single nucleotide variant.
Coding change: c.415G>A on transcript NM_004064.5 (MANE Select); coding-DNA position 415, G replaced by A.
Protein change: p.Asp139Asn; replaces aspartic acid 139 with asparagine.
Molecular consequence: missense variant.
Genome position (GRCh38, 1-based): chr12:12,718,254, G>A. VCF-style: chr12-12718254-G-A. GRCh37 (hg19) VCF-style: chr12-12871188-G-A.
Other names: short protein forms D139N.
Identifiers: ClinVar variation 1738334 (VCV001738334.2), dbSNP rs2136356477, ClinGen allele CA383970677.